The following is an entry in ClinVar:

NC_000011.10:g.62391524_62391579del

Gene: ASRGL1 (asparaginase and isoaspartyl peptidase 1; plus strand). Cytogenetic location: 11q12.3.
Variant type: Deletion.
Genome position: GRCh38: chr11:62,391,524-62,391,579. GRCh37 (hg19): chr11:62,158,996-62,159,051.
Identifiers: ClinVar variation 2837488 (VCV002837488.3), dbSNP rs2495337983, ClinGen allele CA2739270458.

ClinVar aggregate classification (germline): Uncertain significance (1 of 4 stars; one submission).

Submission:

Labcorp Genetics (formerly Invitae), Labcorp
Classification: Uncertain significance. Last evaluated: 2023-02-14. Review status: criteria provided, single submitter. Criteria: Invitae Variant Classification Sherloc (09022015). Collection method: clinical testing. Allele origin: germline.
Comment: This sequence change creates a premature translational stop signal (p.Ala205Lysfs*9) in the ASRGL1 gene. It is expected to result in an absent or disrupted protein product. However, the current clinical and genetic evidence is not sufficient to establish whether loss-of-function variants in ASRGL1 cause disease. This variant is not present in population databases (gnomAD no frequency). This variant has not been reported in the literature in individuals affected with ASRGL1-related conditions. Algorithms developed to predict the effect of sequence changes on RNA splicing suggest that this variant may disrupt the consensus splice site. In summary, the available evidence is currently insufficient to determine the role of this variant in disease. Therefore, it has been classified as a Variant of Uncertain Significance.